The following is an entry in ClinVar:

NC_000018.10:g.(?_3067252)_(3215233_?)dup

Gene: MYOM1 (myomesin 1; minus strand). Cytogenetic location: 18p11.31.
Variant type: Duplication.
Identifiers: ClinVar variation 831956 (VCV000831956.1).

ClinVar aggregate classification (germline): Uncertain significance (1 of 4 stars; one submission).

Conditions:
Hypertrophic cardiomyopathy. Also called: HYPERTROPHIC MYOCARDIOPATHY. Identifiers: Orphanet 217569, MedGen C0007194, MeSH D002312, MONDO:0005045, HP:0001639.

Submission:

Labcorp Genetics (formerly Invitae), Labcorp
Classification: Uncertain significance for Hypertrophic cardiomyopathy. Last evaluated: 2019-01-28. Review status: criteria provided, single submitter. Criteria: Invitae Variant Classification Sherloc (09022015). Collection method: clinical testing. Allele origin: germline.
Comment: This variant results in a copy number gain of the genomic region encompassing the full coding sequence of the MYOM1 gene. The boundaries of this event are unknown as they extend beyond the assayed region for this gene and therefore may encompass additional genes. As the precise location of this event is unknown, it may be in tandem or it may be located elsewhere in the genome. This variant has not been reported in the literature in individuals with MYOM1-related conditions. In summary, the available evidence is currently insufficient to determine the role of this variant in disease. Therefore, it has been classified as a Variant of Uncertain Significance.